The following is an entry in ClinVar:

NM_000458.4(HNF1B):c.146C>G (p.Ser49Cys)

Gene: HNF1B (HNF1 homeobox B; minus strand). Cytogenetic location: 17q12.
Variant type: single nucleotide variant.
Coding change: c.146C>G on transcript NM_000458.4 (MANE Select); coding-DNA position 146, C replaced by G.
Protein change: p.Ser49Cys; replaces serine 49 with cysteine.
Molecular consequence: missense variant.
Genome position (GRCh38, 1-based): chr17:37,744,739, G>C on the plus strand (C>G on the coding strand, the complement: HNF1B is on the minus strand). VCF-style: chr17-37744739-G-C. GRCh37 (hg19) VCF-style: chr17-36104730-G-C.
Other names: c.146C>G, p.Ser49Cys (NM_001165923.4, NM_001304286.2); short protein forms S49C.
Identifiers: ClinVar variation 450822 (VCV000450822.7), dbSNP rs770078634, ClinGen allele CA8519147.

ClinVar aggregate classification (germline): Uncertain significance/Uncertain risk allele. Review status: criteria provided, multiple submitters, no conflicts (2 of 4 stars). 4 submissions from 4 submitters: Uncertain significance (3); Uncertain risk allele (1). Last evaluated 2026-01-09.

Conditions:
Maturity-onset diabetes of the young (MODY). Also called: Maturity onset diabetes mellitus in young. Identifiers: Orphanet 552, MedGen C0342276, MONDO:0018911, HP:0004904.

Allele frequency attached by ClinVar (database versions not stated): gnomAD exomes 0.00001; ExAC 0.00002.
gnomAD v4.1: 5 of 1,613,512 alleles (0.00031%); highest among the groups gnomAD compares: Non-Finnish European, 0.00042%; no homozygotes.

Submissions (4):

Labcorp Genetics (formerly Invitae), Labcorp
Classification: Uncertain significance. Last evaluated: 2026-01-09. Review status: criteria provided, single submitter. Criteria: Invitae Variant Classification Sherloc (09022015). Collection method: clinical testing. Allele origin: germline.
Comment: This sequence change replaces serine, which is neutral and polar, with cysteine, which is neutral and slightly polar, at codon 49 of the HNF1B protein (p.Ser49Cys). This variant is present in population databases (rs770078634, gnomAD 0.002%). This variant has not been reported in the literature in individuals affected with HNF1B-related conditions. ClinVar contains an entry for this variant (Variation ID: 450822). Invitae Evidence Modeling of protein sequence and biophysical properties (such as structural, functional, and spatial information, amino acid conservation, physicochemical variation, residue mobility, and thermodynamic stability) indicates that this missense variant is not expected to disrupt HNF1B protein function with a negative predictive value of 80%. In summary, the available evidence is currently insufficient to determine the role of this variant in disease. Therefore, it has been classified as a Variant of Uncertain Significance.

Athena Diagnostics
Classification: Uncertain significance. Last evaluated: 2022-01-14. Review status: criteria provided, single submitter. Criteria: Athena Diagnostics Criteria. Collection method: clinical testing. Allele origin: unknown.

GeneDx
Classification: Uncertain significance. Last evaluated: 2019-12-17. Review status: criteria provided, single submitter. Criteria: GeneDx Variant Classification Process June 2021. Collection method: clinical testing. Allele origin: germline. Affected: yes.
Comment: In silico analysis, which includes protein predictors and evolutionary conservation, supports that this variant does not alter protein structure/function; Has not been previously published as pathogenic or benign to our knowledge

Clinical Genomics, Uppaluri K&H Personalized Medicine Clinic
Classification: Uncertain risk allele for Maturity-onset diabetes of the young. Review status: criteria provided, single submitter. Criteria: K & H Uppaluri Personalized Medicine Clinic Variant Classification & Assertion Criteria_Updated V.1. Collection method: research. Allele origin: unknown. Inheritance: Autosomal dominant inheritance.
Comment: HNF1B gene mutations are associated with early onset diabetes and pancreatic atrophy. It is also associated with multiple renal manifestations including renal cysts, Tubulointerstitial disease, glomerulocystic disease, renal hypoplasia, hypomagnesemia. However no sufficient evidence is found to ascertain the role of this particular variant rs770078634, yet.

Literature cited by the submitters: PubMed 24897035 (cited by Clinical Genomics, Uppaluri K&H Personalized Medicine Clinic); PubMed 25536396 (cited by Clinical Genomics, Uppaluri K&H Personalized Medicine Clinic); PubMed 27615128 (cited by Clinical Genomics, Uppaluri K&H Personalized Medicine Clinic); PubMed 28215227 (cited by Clinical Genomics, Uppaluri K&H Personalized Medicine Clinic); PubMed 33434175 (cited by Clinical Genomics, Uppaluri K&H Personalized Medicine Clinic); PubMed 25741167 (cited by Clinical Genomics, Uppaluri K&H Personalized Medicine Clinic); PubMed 26340261 (cited by Clinical Genomics, Uppaluri K&H Personalized Medicine Clinic); PubMed 19639018 (cited by Clinical Genomics, Uppaluri K&H Personalized Medicine Clinic).